The following is an entry in ClinVar:

ClinVar aggregate classification (germline): Likely benign (1 of 4 stars; one submission).

Submission:

Women's Health and Genetics/Laboratory Corporation of America, LabCorp
Classification: Likely benign. Last evaluated: 2024-12-02. Review status: criteria provided, single submitter. Criteria: LabCorp Variant Classification Summary - May 2015. Collection method: clinical testing. Allele origin: germline.
Comment: Variant summary: The variant involves the deletion of exons 20-21 in the VWA3B gene. A presumed nomenclature of c.(2673+1_2674-1)_(2843+1_2844-1)del has been designated for the purposes of this classification. This Copy Number Variant (CNV) is expected to alter the reading frame and predicted to result in a truncation or absence of the encoded protein due to nonsense mediated decay (NMD). However, current evidence is not sufficient to establish loss of function as a mechanism for disease. The variant allele was found at a frequency of 0.0022 in 21694 control chromosomes, predominantly at a frequency of 0.005 within the African or African-American subpopulation in the gnomAD database, including 1 homozygote. The allele frequency (and the homozygous occurrence) suggests that the variant is likely not associated with high a penetrance, early onset severe disease phenotype, however potential risk associations cannot be excluded based on this frequency. To our knowledge, no occurrence of c.(2673+1_2674-1)_(2843+1_2844-1)del in individuals affected with Autosomal Recessive Spinocerebellar Ataxia and no experimental evidence demonstrating its impact on protein function have been reported. ClinVar contains entries for this variant (Variation IDs: 1526884, 1526884). Based on the evidence outlined above, the variant was classified as likely benign.

NC_000002.11:g.(98853194_98866780)_(98872638_98887144)del

Gene: VWA3B (von Willebrand factor A domain containing 3B; plus strand). Cytogenetic location: 2q11.2.
Variant type: Deletion.
Identifiers: ClinVar variation 1677220 (VCV001677220.2).